The following is an entry in ClinVar:

ClinVar aggregate classification (germline): Uncertain significance (1 of 4 stars; one submission).

Conditions:
Cardiovascular phenotype. Identifiers: MedGen CN230736.

Submission:

Ambry Genetics
Classification: Uncertain significance for Cardiovascular phenotype. Last evaluated: 2025-07-09. Review status: criteria provided, single submitter. Criteria: Ambry Variant Classification Scheme 2023. Collection method: clinical testing. Allele origin: germline.
Comment: The p.S767P variant (also known as c.2299T>C), located in coding exon 17 of the RASA1 gene, results from a T to C substitution at nucleotide position 2299. The serine at codon 767 is replaced by proline, an amino acid with similar properties. This amino acid position is conserved. In addition, this alteration is predicted to be tolerated by in silico analysis. Based on the available evidence, the clinical significance of this variant remains unclear.

NM_002890.3(RASA1):c.2299T>C (p.Ser767Pro)

Genes: CCNH (cyclin H; minus strand), RASA1 (RAS p21 protein activator 1; plus strand). Cytogenetic location: 5q14.3.
Variant type: single nucleotide variant.
Coding change: c.2299T>C on transcript NM_002890.3 (MANE Select); coding-DNA position 2299, T replaced by C.
Protein change: p.Ser767Pro; replaces serine 767 with proline.
Molecular consequence: missense variant. On other transcripts: intron variant (1).
Genome position (GRCh38, 1-based): chr5:87,376,995, T>C. VCF-style: chr5-87376995-T-C. GRCh37 (hg19) VCF-style: chr5-86672812-T-C.
Other names: c.1768T>C, p.Ser590Pro (NM_022650.3); c.933+18049A>G (NM_001364075.2); short protein forms S590P, S767P.
Identifiers: ClinVar variation 4150717 (VCV004150717.1).